The following is an entry in ClinVar:

NM_015450.3(POT1):c.256-5C>A

Gene: POT1 (protection of telomeres 1; minus strand). Cytogenetic location: 7q31.33.
Variant type: single nucleotide variant.
Coding change: c.256-5C>A on transcript NM_015450.3 (MANE Select); 5 bases into the intron before coding-DNA position 256, C replaced by A.
Molecular consequence: intron variant.
Genome position (GRCh38, 1-based): chr7:124,863,645, G>T on the plus strand (C>A on the coding strand, the complement: POT1 is on the minus strand). VCF-style: chr7-124863645-G-T. GRCh37 (hg19) VCF-style: chr7-124503699-G-T.
Other names: c.-138-5C>A (NM_001042594.2).
Identifiers: ClinVar variation 1793156 (VCV001793156.5), dbSNP rs1795654181, ClinGen allele CA1740730258.

ClinVar aggregate classification (germline): Conflicting classifications of pathogenicity. Review status: criteria provided, conflicting classifications (1 of 4 stars). 2 submissions from 2 submitters: Uncertain significance (1); Likely benign (1). Last evaluated 2025-06-29.

Conditions:
Hereditary cancer-predisposing syndrome. Also called: Tumor predisposition; Neoplastic Syndromes, Hereditary; Hereditary Cancer Syndrome; Hereditary neoplastic syndrome. Identifiers: Orphanet 140162, MedGen C0027672, MeSH D009386, MONDO:0015356.
Tumor predisposition syndrome 3 (TPDS3). Also called: Glioma susceptibility 9; LONG TELOMERE SYNDROME, POT1-RELATED; POT1 Tumor Predisposition; Melanoma, cutaneous malignant, susceptibility to, 10. Identifiers: Orphanet 618, MedGen C4014476, MONDO:0014368, OMIM 615848.

Allele frequency attached by ClinVar (database versions not stated): TOPMed below 0.00001.

Submissions (2):

Labcorp Genetics (formerly Invitae), Labcorp
Classification: Likely benign for Tumor predisposition syndrome 3. Last evaluated: 2025-06-29. Review status: criteria provided, single submitter. Criteria: Invitae Variant Classification Sherloc (09022015). Collection method: clinical testing. Allele origin: germline.

Ambry Genetics
Classification: Uncertain significance for Hereditary cancer-predisposing syndrome. Last evaluated: 2024-01-08. Review status: criteria provided, single submitter. Criteria: Ambry Variant Classification Scheme 2023. Collection method: clinical testing. Allele origin: germline.
Comment: The c.256-5C>A intronic variant results from a C to A substitution 5 nucleotides before coding exon 4 in the POT1 gene. This nucleotide position is well conserved in available vertebrate species. In silico splice site analysis for this alteration is inconclusive. RNA studies have demonstrated that this alteration does not result in abnormal splicing in the set of samples tested (Ambry internal data). Since supporting evidence is limited at this time, the clinical significance of this alteration remains unclear.